The following is an entry in ClinVar:

ClinVar aggregate classification (germline): Uncertain significance (1 of 4 stars; one submission).

Submission:

Labcorp Genetics (formerly Invitae), Labcorp
Classification: Uncertain significance. Last evaluated: 2025-01-20. Review status: criteria provided, single submitter. Criteria: Invitae Variant Classification Sherloc (09022015). Collection method: clinical testing. Allele origin: germline.
Comment: This sequence change replaces glutamine, which is neutral and polar, with proline, which is neutral and non-polar, at codon 155 of the MNX1 protein (p.Gln155Pro). This variant is not present in population databases (gnomAD no frequency). This variant has not been reported in the literature in individuals affected with MNX1-related conditions. Invitae Evidence Modeling of protein sequence and biophysical properties (such as structural, functional, and spatial information, amino acid conservation, physicochemical variation, residue mobility, and thermodynamic stability) indicates that this missense variant is not expected to disrupt MNX1 protein function with a negative predictive value of 80%. In summary, the available evidence is currently insufficient to determine the role of this variant in disease. Therefore, it has been classified as a Variant of Uncertain Significance.

NM_005515.4(MNX1):c.464A>C (p.Gln155Pro)

Genes: MNX1 (motor neuron and pancreas homeobox 1; minus strand), LOC129999736 (ATAC-STARR-seq lymphoblastoid silent region 18858; plus strand). Cytogenetic location: 7q36.3.
Variant type: single nucleotide variant.
Coding change: c.464A>C on transcript NM_005515.4 (MANE Select); coding-DNA position 464, A replaced by C.
Protein change: p.Gln155Pro; replaces glutamine 155 with proline.
Molecular consequence: missense variant.
Genome position (GRCh38, 1-based): chr7:157,009,887, T>G on the plus strand (A>C on the coding strand, the complement: MNX1 is on the minus strand). VCF-style: chr7-157009887-T-G. GRCh37 (hg19) VCF-style: chr7-156802581-T-G.
Other names: short protein forms Q155P.
Identifiers: ClinVar variation 3673060 (VCV003673060.2).
Genomic context (GRCh38, chr7:157,009,887, plus strand): 5'-AGCGCAGCCGCCGCCGCCGCCGCGGAGTAGCCGTAGACCGGGTGGCCGTAGAGCGCCGCC[T>G]GCGCCGGGAGGCCCGCGCCGCCCTGCGCGCCCCCAGGGTGCAGCCCCAGCGCCAGGCCCC-3'
Protein context (NP_005506.3, residues 145-165): GAQGGAGLPA[Gln155Pro]AALYGHPVYG